The following is an entry in ClinVar:

ClinVar aggregate classification (germline): Likely benign. Review status: criteria provided, single submitter (1 of 4 stars). 2 submissions from 2 submitters: Likely benign (1). 1 of the submissions does not count toward it. Last evaluated 2018-05-17.

Conditions:
THBS1-related disorder. Also called: THBS1-related condition.

Allele frequency attached by ClinVar (database versions not stated): gnomAD 0.00001; TOPMed 0.00005; gnomAD exomes 0.00009 and 0.00021; ExAC 0.00012.
gnomAD v4.1: 57 of 1,614,104 alleles (0.0035%); highest among the groups gnomAD compares: Admixed American, 0.092%; no homozygotes.

Submissions (2):

Labcorp Genetics (formerly Invitae), Labcorp
Classification: Likely benign. Last evaluated: 2018-05-17. Review status: criteria provided, single submitter. Criteria: Invitae Variant Classification Sherloc (09022015). Collection method: clinical testing. Allele origin: germline.

PreventionGenetics, part of Exact Sciences
Classification: Likely benign for THBS1-related condition. Last evaluated: 2019-07-22. Review status: no assertion criteria provided. Collection method: clinical testing. Allele origin: germline. Not counted in ClinVar's aggregate classification.
Comment: This variant is classified as likely benign based on ACMG/AMP sequence variant interpretation guidelines (Richards et al. 2015 PMID: 25741868, with internal and published modifications).

NM_003246.4(THBS1):c.2289T>C (p.Tyr763=)

Gene: THBS1 (thrombospondin 1; plus strand). Cytogenetic location: 15q14.
Variant type: single nucleotide variant.
Coding change: c.2289T>C on transcript NM_003246.4 (MANE Select); coding-DNA position 2289, T replaced by C.
Protein change: p.Tyr763=; no amino-acid change (tyrosine 763 retained).
Molecular consequence: synonymous variant.
Genome position (GRCh38, 1-based): chr15:39,591,226, T>C. VCF-style: chr15-39591226-T-C. GRCh37 (hg19) VCF-style: chr15-39883427-T-C.
Identifiers: ClinVar variation 725158 (VCV000725158.5), dbSNP rs771076290, ClinGen allele CA7472199.